The following is an entry in ClinVar:

ClinVar aggregate classification (germline): Likely pathogenic (1 of 4 stars; one submission).

Submission:

CeGaT Center for Human Genetics Tuebingen
Classification: Likely pathogenic. Last evaluated: 2026-08-01. Review status: criteria provided, single submitter. Criteria: CeGaT Center For Human Genetics Tuebingen Variant Classification Criteria Version 2. Collection method: clinical testing. Allele origin: germline. Affected: yes. Observed: 1 variant allele.
Comment: TET2: PVS1:Strong, PM2

NM_001127208.3(TET2):c.5088T>G (p.Tyr1696Ter)

Genes: TET2 (tet methylcytosine dioxygenase 2; plus strand), TET2-AS1 (TET2 antisense RNA 1; minus strand). Cytogenetic location: 4q24.
Variant type: single nucleotide variant.
Coding change: c.5088T>G on transcript NM_001127208.3 (MANE Select); coding-DNA position 5088, T replaced by G.
Protein change: p.Tyr1696Ter; replaces tyrosine 1696 with a stop codon.
Molecular consequence: nonsense.
Genome position (GRCh38, 1-based): chr4:105,275,598, T>G. VCF-style: chr4-105275598-T-G. GRCh37 (hg19) VCF-style: chr4-106196755-T-G.
Other names: short protein forms Y1696*.
Identifiers: ClinVar variation 5040732 (VCV005040732.1).